The following is an entry in ClinVar:

ClinVar aggregate classification (germline): Uncertain significance. Review status: criteria provided, multiple submitters, no conflicts (2 of 4 stars). 2 submissions from 2 submitters: Uncertain significance (2). Last evaluated 2025-10-24.

Conditions:
Inborn genetic diseases. Identifiers: MedGen C0950123, MeSH D030342.

Allele frequency attached by ClinVar (database versions not stated): gnomAD 0.00001; TOPMed 0.00001; gnomAD exomes 0.00001; ExAC 0.00003.
gnomAD v4.1: 9 of 1,613,626 alleles (0.00056%); highest among the groups gnomAD compares: Admixed American, 0.015%; no homozygotes.

Submissions (2):

Ambry Genetics
Classification: Uncertain significance for Inborn genetic diseases. Last evaluated: 2025-10-24. Review status: criteria provided, single submitter. Criteria: Ambry Variant Classification Scheme 2023. Collection method: clinical testing. Allele origin: germline.

Labcorp Genetics (formerly Invitae), Labcorp
Classification: Uncertain significance. Last evaluated: 2022-08-05. Review status: criteria provided, single submitter. Criteria: Invitae Variant Classification Sherloc (09022015). Collection method: clinical testing. Allele origin: germline.
Comment: This sequence change replaces arginine, which is basic and polar, with isoleucine, which is neutral and non-polar, at codon 1728 of the PCDH15 protein (p.Arg1728Ile). This variant is present in population databases (rs776479912, gnomAD 0.02%). This variant has not been reported in the literature in individuals affected with PCDH15-related conditions. Algorithms developed to predict the effect of missense changes on protein structure and function (SIFT, PolyPhen-2, Align-GVGD) all suggest that this variant is likely to be tolerated. In summary, the available evidence is currently insufficient to determine the role of this variant in disease. Therefore, it has been classified as a Variant of Uncertain Significance.

NM_033056.4(PCDH15):c.5183G>T (p.Arg1728Ile)

Gene: PCDH15 (protocadherin related 15; minus strand). Cytogenetic location: 10q21.1.
Variant type: single nucleotide variant.
Coding change: c.5183G>T on transcript NM_033056.4 (MANE Plus Clinical); coding-DNA position 5183, G replaced by T.
Protein change: p.Arg1728Ile; replaces arginine 1728 with isoleucine.
Molecular consequence: missense variant. On other transcripts: intron variant (8).
Genome position (GRCh38, 1-based): chr10:53,822,543, C>A on the plus strand (G>T on the coding strand, the complement: PCDH15 is on the minus strand). VCF-style: chr10-53822543-C-A. GRCh37 (hg19) VCF-style: chr10-55582303-C-A.
Other names: c.5204G>T, p.Arg1735Ile (NM_001142763.2); c.5189G>T, p.Arg1730Ile (NM_001142764.2); c.4976G>T, p.Arg1659Ile (NM_001142765.2); c.5174G>T, p.Arg1725Ile (NM_001142766.2); c.5063G>T, p.Arg1688Ile (NM_001142767.2); c.5123G>T, p.Arg1708Ile (NM_001142768.2); c.5114G>T, p.Arg1705Ile (NM_001142773.2); c.5117G>T, p.Arg1706Ile (NM_001354404.2); and 7 more; short protein forms R1659I, R1688I, R1708I, R1728I, R1705I, R1706I, R1730I, R1725I.
Identifiers: ClinVar variation 2191315 (VCV002191315.2), dbSNP rs776479912, ClinGen allele CA5505110.